The following is an entry in ClinVar:

ClinVar aggregate classification (germline): Uncertain significance. Review status: criteria provided, multiple submitters, no conflicts (2 of 4 stars). 2 submissions from 2 submitters: Uncertain significance (2). Last evaluated 2024-09-09.

Conditions:
Charcot-Marie-Tooth disease dominant intermediate C (CMTDIC). Also called: CHARCOT-MARIE-TOOTH NEUROPATHY, DOMINANT INTERMEDIATE C. Identifiers: Orphanet 100045, MedGen C1842237, MONDO:0012012, OMIM 608323.

Allele frequency attached by ClinVar (database versions not stated): gnomAD 0.00001; gnomAD exomes 0.00001.
gnomAD v4.1: 7 of 1,614,008 alleles (0.00043%); highest among the groups gnomAD compares: East Asian, 0.0045%; no homozygotes.

Submissions (2):

Labcorp Genetics (formerly Invitae), Labcorp
Classification: Uncertain significance for Charcot-Marie-Tooth disease dominant intermediate C. Last evaluated: 2024-09-09. Review status: criteria provided, single submitter. Criteria: Invitae Variant Classification Sherloc (09022015). Collection method: clinical testing. Allele origin: germline.
Comment: This sequence change replaces arginine, which is basic and polar, with tryptophan, which is neutral and slightly polar, at codon 237 of the YARS protein (p.Arg237Trp). This variant is present in population databases (no rsID available, gnomAD 0.007%). This variant has not been reported in the literature in individuals affected with YARS-related conditions. ClinVar contains an entry for this variant (Variation ID: 1256116). Invitae Evidence Modeling of protein sequence and biophysical properties (such as structural, functional, and spatial information, amino acid conservation, physicochemical variation, residue mobility, and thermodynamic stability) indicates that this missense variant is not expected to disrupt YARS protein function with a negative predictive value of 80%. In summary, the available evidence is currently insufficient to determine the role of this variant in disease. Therefore, it has been classified as a Variant of Uncertain Significance.

Athena Diagnostics
Classification: Uncertain significance. Last evaluated: 2020-11-03. Review status: criteria provided, single submitter. Criteria: Athena Diagnostics criteria. Collection method: clinical testing. Allele origin: unknown.

NM_003680.4(YARS1):c.709C>T (p.Arg237Trp)

Genes: YARS1 (tyrosyl-tRNA synthetase 1; minus strand), LOC126805688 (BRD4-independent group 4 enhancer GRCh37_chr1:33251929-33253128; plus strand). Cytogenetic location: 1p35.1.
Variant type: single nucleotide variant.
Coding change: c.709C>T on transcript NM_003680.4 (MANE Select); coding-DNA position 709, C replaced by T.
Protein change: p.Arg237Trp; replaces arginine 237 with tryptophan.
Molecular consequence: missense variant.
Genome position (GRCh38, 1-based): chr1:32,787,051, G>A on the plus strand (C>T on the coding strand, the complement: YARS1 is on the minus strand). VCF-style: chr1-32787051-G-A. GRCh37 (hg19) VCF-style: chr1-33252652-G-A.
Other names: short protein forms R237W.
Identifiers: ClinVar variation 1256116 (VCV001256116.4), dbSNP rs1385295171, ClinGen allele CA339685417.